The following is an entry in ClinVar:

NM_017636.4(TRPM4):c.2063C>T (p.Thr688Ile)

Gene: TRPM4 (transient receptor potential cation channel subfamily M member 4; plus strand). Cytogenetic location: 19q13.33.
Variant type: single nucleotide variant.
Coding change: c.2063C>T on transcript NM_017636.4 (MANE Select); coding-DNA position 2063, C replaced by T.
Protein change: p.Thr688Ile; replaces threonine 688 with isoleucine.
Molecular consequence: missense variant.
Genome position (GRCh38, 1-based): chr19:49,190,251, C>T. VCF-style: chr19-49190251-C-T. GRCh37 (hg19) VCF-style: chr19-49693508-C-T.
Other names: c.2063C>T, p.Thr688Ile (NM_001195227.2); c.1718C>T, p.Thr573Ile (NM_001321281.2); c.455C>T, p.Thr152Ile (NM_001321282.2); c.1541C>T, p.Thr514Ile (NM_001321283.2); c.1001C>T, p.Thr334Ile (NM_001321285.2); short protein forms T573I, T514I, T688I, T152I, T334I.
Identifiers: ClinVar variation 3462135 (VCV003462135.1).

ClinVar aggregate classification (germline): Uncertain significance (1 of 4 stars; one submission).

Conditions:
Cardiovascular phenotype. Identifiers: MedGen CN230736.

gnomAD v4.1: 3 of 1,614,216 alleles (0.00019%); highest among the groups gnomAD compares: East Asian, 0.0022%; no homozygotes.

Submission:

Ambry Genetics
Classification: Uncertain significance for Cardiovascular phenotype. Last evaluated: 2024-07-14. Review status: criteria provided, single submitter. Criteria: Ambry Variant Classification Scheme 2023. Collection method: clinical testing. Allele origin: germline.
Comment: The p.T688I variant (also known as c.2063C>T), located in coding exon 15 of the TRPM4 gene, results from a C to T substitution at nucleotide position 2063. The threonine at codon 688 is replaced by isoleucine, an amino acid with similar properties. This amino acid position is conserved. In addition, the in silico prediction for this alteration is inconclusive. Based on the available evidence, the clinical significance of this variant remains unclear.